The following is an entry in ClinVar:

NM_002528.7(NTHL1):c.577G>C (p.Gly193Arg)

Gene: NTHL1 (nth like DNA glycosylase 1; minus strand). Cytogenetic location: 16p13.3.
Variant type: single nucleotide variant.
Coding change: c.577G>C on transcript NM_002528.7 (MANE Select); coding-DNA position 577, G replaced by C.
Protein change: p.Gly193Arg; replaces glycine 193 with arginine.
Molecular consequence: missense variant.
Genome position (GRCh38, 1-based): chr16:2,043,675, C>G on the plus strand (G>C on the coding strand, the complement: NTHL1 is on the minus strand). VCF-style: chr16-2043675-C-G. GRCh37 (hg19) VCF-style: chr16-2093676-C-G.
Other names: c.406G>C, p.Gly136Arg (NM_001318193.2); c.247G>C, p.Gly83Arg (NM_001318194.2); short protein forms G136R, G193R, G83R.
Identifiers: ClinVar variation 844043 (VCV000844043.15), dbSNP rs200007034, ClinGen allele CA394291944.
Genomic context (GRCh38, chr16:2,043,675, plus strand): 5'-TCTTGGGCCCAACACCCGGCAGCGCCACCAGCTCGGCCACAGAGGCTGGGATGTCCCCAC[C>G]GTAGTGCTGCTGCAGGATGGCGCTGGTCTGCTTGATGTATTTCACCTTGCTCTGAAAGAC-3'
Protein context (NP_002519.2, residues 183-203): QTSAILQQHY[Gly193Arg]GDIPASVAEL

ClinVar aggregate classification (germline): Uncertain significance. Review status: criteria provided, multiple submitters, no conflicts (2 of 4 stars). 4 submissions from 4 submitters: Uncertain significance (4). Last evaluated 2025-06-17.

Conditions:
Familial adenomatous polyposis 3. Also called: NTHL1-associated polyposis; NTHL1 Tumor Syndrome; NTHL1-Related Adenomatous Polyposis and Colorectal Cancer; NTHL1-related attenuated familial adenomatous polyposis. Identifiers: Orphanet 220460, Orphanet 454840, MedGen C4225157, MONDO:0014630, OMIM 616415.
Hereditary cancer-predisposing syndrome. Also called: Tumor predisposition; Hereditary Cancer Syndrome; Hereditary neoplastic syndrome; Neoplastic Syndromes, Hereditary. Identifiers: Orphanet 140162, MedGen C0027672, MeSH D009386, MONDO:0015356.

gnomAD v4.1: 3 of 1,612,182 alleles (0.00019%); highest among the groups gnomAD compares: Non-Finnish European, 0.00025%; no homozygotes.

Submissions (4):

St. Jude Molecular Pathology, St. Jude Children's Research Hospital
Classification: Uncertain significance for Familial adenomatous polyposis 3. Last evaluated: 2025-06-17. Review status: criteria provided, single submitter. Criteria: St. Jude Assertion Criteria 2020. Collection method: clinical testing. Allele origin: germline.
Comment: The NTHL1 c.577G>C p.(Gly193Arg) missense change is absent in gnomAD v2.1.1. The in silico tool REVEL predicts a benign effect on protein function, but to our knowledge this prediction has not been confirmed by functional studies. To our knowledge, this variant has not been reported in individuals with NTHL1-associated polyposis. In summary, the evidence currently available is insufficient to determine the clinical significance of this variant. It has therefore been classified as of uncertain significance.

Labcorp Genetics (formerly Invitae), Labcorp
Classification: Uncertain significance. Last evaluated: 2024-06-15. Review status: criteria provided, single submitter. Criteria: Invitae Variant Classification Sherloc (09022015). Collection method: clinical testing. Allele origin: germline.
Comment: This sequence change replaces glycine, which is neutral and non-polar, with arginine, which is basic and polar, at codon 201 of the NTHL1 protein (p.Gly201Arg). This variant is not present in population databases (gnomAD no frequency). This missense change has been observed in individual(s) with breast cancer (PMID: 33980861). ClinVar contains an entry for this variant (Variation ID: 844043). An algorithm developed to predict the effect of missense changes on protein structure and function (PolyPhen-2) suggests that this variant is likely to be tolerated. In summary, the available evidence is currently insufficient to determine the role of this variant in disease. Therefore, it has been classified as a Variant of Uncertain Significance.

GeneDx
Classification: Uncertain significance. Last evaluated: 2024-05-20. Review status: criteria provided, single submitter. Criteria: GeneDx Variant Classification Process June 2021. Collection method: clinical testing. Allele origin: germline. Affected: yes.
Comment: Not observed at significant frequency in large population cohorts (gnomAD); In silico analysis supports that this missense variant has a deleterious effect on protein structure/function; Has not been previously published as pathogenic or benign to our knowledge; This variant is associated with the following publications: (PMID: 33980861)

Ambry Genetics
Classification: Uncertain significance for Hereditary cancer-predisposing syndrome. Last evaluated: 2024-02-05. Review status: criteria provided, single submitter. Criteria: Ambry Variant Classification Scheme 2023. Collection method: clinical testing. Allele origin: germline.
Comment: The p.G201R variant (also known as c.601G>C), located in coding exon 4 of the NTHL1 gene, results from a G to C substitution at nucleotide position 601. The glycine at codon 201 is replaced by arginine, an amino acid with dissimilar properties. This amino acid position is poorly conserved in available vertebrate species. In addition, this alteration is predicted to be tolerated by in silico analysis. Since supporting evidence is limited at this time, the clinical significance of this alteration remains unclear.

Literature cited by the submitters: PubMed 33980861 (cited by Labcorp Genetics (formerly Invitae), Labcorp).